The following is an entry in ClinVar:

ClinVar aggregate classification (germline): Uncertain significance. Review status: criteria provided, multiple submitters, no conflicts (2 of 4 stars). 2 submissions from 2 submitters: Uncertain significance (2). Last evaluated 2025-12-02.

Allele frequency attached by ClinVar (database versions not stated): TOPMed below 0.00001; gnomAD 0.00004; 1000 Genomes Project 0.00040; ExAC 0.00048.
gnomAD v4.1: 67 of 1,488,658 alleles (0.0045%); highest among the groups gnomAD compares: South Asian, 0.069%; 2 homozygotes.

Submissions (2):

Women's Health and Genetics/Laboratory Corporation of America, LabCorp
Classification: Uncertain significance. Last evaluated: 2025-12-02. Review status: criteria provided, single submitter. Criteria: LabCorp Variant Classification Summary - May 2015. Collection method: clinical testing. Allele origin: germline.
Comment: Variant summary: ZNF469 c.3095C>A (p.Pro1032His) results in a non-conservative amino acid change in the encoded protein sequence. Algorithms developed to predict the effect of missense changes on protein structure and function are either unavailable or do not agree on the potential impact of this missense change. The variant allele was found at a frequency of 0.00014 in 91138 control chromosomes. This frequency is not significantly higher than estimated for disease-causing variants in ZNF469, allowing no conclusion about variant significance. To our knowledge, no occurrence of c.3095C>A in individuals affected with ZNF469-related conditions and no experimental evidence demonstrating its impact on protein function have been reported. ClinVar contains an entry for this variant (Variation ID: 1912472). Based on the evidence outlined above, the variant was classified as uncertain significance.

Labcorp Genetics (formerly Invitae), Labcorp
Classification: Uncertain significance. Last evaluated: 2022-03-16. Review status: criteria provided, single submitter. Criteria: Invitae Variant Classification Sherloc (09022015). Collection method: clinical testing. Allele origin: germline.
Comment: This sequence change replaces proline, which is neutral and non-polar, with histidine, which is basic and polar, at codon 1032 of the ZNF469 protein (p.Pro1032His). This variant is present in population databases (rs556195040, gnomAD 0.07%). This variant has not been reported in the literature in individuals affected with ZNF469-related conditions. Algorithms developed to predict the effect of missense changes on protein structure and function are either unavailable or do not agree on the potential impact of this missense change (SIFT: "Deleterious"; PolyPhen-2: "Possibly Damaging"; Align-GVGD: "Class C0"). In summary, the available evidence is currently insufficient to determine the role of this variant in disease. Therefore, it has been classified as a Variant of Uncertain Significance.

NM_001367624.2(ZNF469):c.3095C>A (p.Pro1032His)

Gene: ZNF469 (zinc finger protein 469; plus strand). Cytogenetic location: 16q24.2.
Variant type: single nucleotide variant.
Coding change: c.3095C>A on transcript NM_001367624.2 (MANE Select); coding-DNA position 3095, C replaced by A.
Protein change: p.Pro1032His; replaces proline 1032 with histidine.
Molecular consequence: missense variant.
Genome position (GRCh38, 1-based): chr16:88,430,565, C>A. VCF-style: chr16-88430565-C-A. GRCh37 (hg19) VCF-style: chr16-88496973-C-A.
Other names: short protein forms P1032H.
Identifiers: ClinVar variation 1912472 (VCV001912472.3), dbSNP rs556195040, ClinGen allele CA8224823.
Genomic context (GRCh38, chr16:88,430,565, plus strand): 5'-TCCCGAGAGCCGCCGCCCTCCCCGAGGAGACCCGCAGCTCCCGGCGCCGCCGGCTGCCCC[C>A]CAGGAAGGACCCCAGGAAGAGGAAGGCTCGGGGCGGCGCCTGGGGCAAGGAGCTCATTCT-3'
Protein context (NP_001354553.1, residues 1022-1042): TRSSRRRRLP[Pro1032His]RKDPRKRKAR